The following is an entry in ClinVar:

ClinVar aggregate classification (germline): Pathogenic (1 of 4 stars; one submission).

Submission:

Labcorp Genetics (formerly Invitae), Labcorp
Classification: Pathogenic. Last evaluated: 2022-03-27. Review status: criteria provided, single submitter. Criteria: Invitae Variant Classification Sherloc (09022015). Collection method: clinical testing. Allele origin: germline.
Comment: For these reasons, this variant has been classified as Pathogenic. Algorithms developed to predict the effect of sequence changes on RNA splicing suggest that this variant may disrupt the consensus splice site. Disruption of this splice site has been observed in individual(s) with deafness (PMID: 29676012). In at least one individual the data is consistent with being in trans (on the opposite chromosome) from a pathogenic variant. It has also been observed to segregate with disease in related individuals. This variant is not present in population databases (gnomAD no frequency). This sequence change affects a splice site in intron 24 of the LOXHD1 gene. It is expected to disrupt RNA splicing. Variants that disrupt the donor or acceptor splice site typically lead to a loss of protein function (PMID: 16199547), and loss-of-function variants in LOXHD1 are known to be pathogenic (PMID: 19732867, 21465660, 25792669).

Literature cited by the submitters: PubMed 29676012; PubMed 16199547; PubMed 19732867; PubMed 21465660; PubMed 25792669.

NM_001384474.1(LOXHD1):c.3748+1_3748+3del

Gene: LOXHD1 (lipoxygenase homology PLAT domains 1; minus strand). Cytogenetic location: 18q21.1.
Variant type: Deletion.
Coding change: c.3748+1_3748+3del on transcript NM_001384474.1 (MANE Select); the canonical splice donor site of the intron after coding-DNA position 3748 through 3 bases into the intron after coding-DNA position 3748, 3 bases deleted (GTG; older notation c.3748+1_3748+3delGTG).
Molecular consequence: splice donor variant.
Genome position (GRCh38, 1-based): chr18:46,542,724-46,542,726, CAC deleted on the plus strand (GTG on the coding strand, the reverse complement: LOXHD1 is on the minus strand); deleting any 3 consecutive bases within chr18:46,542,724-46,542,727 gives the same sequence; the c. name uses the placement nearest the transcript's 3' end. VCF-style (leftmost placement, unchanged base first): chr18-46542723-ACAC-A. GRCh37 (hg19) VCF-style: chr18-44122686-ACAC-A.
Other names: c.415+1_415+3del (NM_001145472.3); c.127+1_127+3del (NM_001308013.2); c.3748+1_3748+3del (NM_144612.7).
Identifiers: ClinVar variation 2118333 (VCV002118333.4), dbSNP rs2511718145, ClinGen allele CA2580095737.